The following is an entry in ClinVar:

ClinVar aggregate classification (germline): Benign (1 of 4 stars; one submission).

Conditions:
Nephronophthisis-like nephropathy 1 (NPHPL1). Identifiers: Orphanet 655, MedGen C3150419, MONDO:0013163, OMIM 613159.

Allele frequency attached by ClinVar (database versions not stated): ESP Exome Variant Server 0.00008; gnomAD 0.00038 and 0.00058; TOPMed 0.00067; ExAC 0.00101; gnomAD exomes 0.00102; 1000 Genomes Project 30x 0.00297; 1000 Genomes Project 0.00300.
gnomAD v4.1: 785 of 1,613,912 alleles (0.049%); highest among the groups gnomAD compares: East Asian, 1.6%; 9 homozygotes.

Submission:

Illumina Laboratory Services, Illumina
Classification: Benign for Nephronophthisis-like nephropathy 1. Last evaluated: 2018-01-13. Review status: criteria provided, single submitter. Criteria: ICSL Variant Classification Criteria 13 December 2019. Collection method: clinical testing. Allele origin: germline.
Comment: This variant was observed in the ICSL laboratory as part of a predisposition screen in an ostensibly healthy population. It had not been previously curated by ICSL or reported in the Human Gene Mutation Database (HGMD: prior to June 1st, 2018), and was therefore a candidate for classification through an automated scoring system. Utilizing variant allele frequency, disease prevalence and penetrance estimates, and inheritance mode, an automated score was calculated to assess if this variant is too frequent to cause the disease. Based on the score and internal cut-off values, a variant classified as benign is not then subjected to further curation. The score for this variant resulted in a classification of benign for this disease.

NM_022098.4(XPNPEP3):c.-23C>T

Gene: XPNPEP3 (X-prolyl aminopeptidase 3; plus strand). Cytogenetic location: 22q13.2.
Variant type: single nucleotide variant.
Coding change: c.-23C>T on transcript NM_022098.4 (MANE Select); 23 bases upstream of the start codon, C replaced by T.
Molecular consequence: 5 prime UTR variant.
Genome position (GRCh38, 1-based): chr22:40,857,159, C>T. VCF-style: chr22-40857159-C-T. GRCh37 (hg19) VCF-style: chr22-41253163-C-T.
Other names: c.-23C>T (NM_001204827.2).
Identifiers: ClinVar variation 341665 (VCV000341665.5), dbSNP rs149610579, ClinGen allele CA10251265.
Genomic context (GRCh38, chr22:40,857,159, plus strand): 5'-GTTTCCTGGCGACGCGGCCCTGCAGGCGGTTGCGTTCCCCGTCGTTACCCTCTTTCTCTT[C>T]CCGACGCGTGAGTTAGGCCGTAATGCCTTGGCTGCTCTCAGCCCCCAAGCTGGTTCCCGC-3'